The following is an entry in ClinVar:

ClinVar aggregate classification (germline): Uncertain significance (1 of 4 stars; one submission).

Submission:

GeneDx
Classification: Uncertain significance. Last evaluated: 2025-04-02. Review status: criteria provided, single submitter. Criteria: GeneDx Variant Classification Process June 2021. Collection method: clinical testing. Allele origin: germline. Affected: yes.
Comment: Not observed at significant frequency in large population cohorts (gnomAD); In silico analysis supports a deleterious effect on protein structure/function; Has not been previously published as pathogenic or benign to our knowledge

NM_001044.5(SLC6A3):c.58_59delinsTT (p.Glu20Leu)

Gene: SLC6A3 (solute carrier family 6 member 3). Cytogenetic location: 5p15.33.
Variant type: Indel.
Coding change: c.58_59delinsTT on transcript NM_001044.5 (MANE Select); coding-DNA positions 58 to 59, the reference bases replaced by TT.
Protein change: p.Glu20Leu; replaces glutamic acid 20 with leucine.
Molecular consequence: missense variant.
Genome position: GRCh38 VCF-style: chr5-1443139-TC-AA. GRCh37 (hg19) VCF-style: chr5-1443254-TC-AA.
Other names: short protein forms E20L.
Identifiers: ClinVar variation 4278793 (VCV004278793.1).